The following is an entry in ClinVar:

ClinVar aggregate classification (germline): Pathogenic (1 of 4 stars; one submission).

Submission:

GeneDx
Classification: Pathogenic. Last evaluated: 2024-04-24. Review status: criteria provided, single submitter. Criteria: GeneDx Variant Classification Process June 2021. Collection method: clinical testing. Allele origin: germline.
Comment: Canonical splice site variant predicted to result in a null allele in a gene for which loss-of-function is a known mechanism of disease; Not observed at significant frequency in large population cohorts (gnomAD); Has not been previously published as pathogenic or benign to our knowledge

NM_007347.5(AP4E1):c.1429+1G>A

Gene: AP4E1 (adaptor related protein complex 4 subunit epsilon 1; plus strand). Cytogenetic location: 15q21.2.
Variant type: single nucleotide variant.
Coding change: c.1429+1G>A on transcript NM_007347.5 (MANE Select); the canonical splice donor site of the intron after coding-DNA position 1429, G replaced by A.
Molecular consequence: splice donor variant.
Genome position (GRCh38, 1-based): chr15:50,949,939, G>A. VCF-style: chr15-50949939-G-A. GRCh37 (hg19) VCF-style: chr15-51242136-G-A.
Other names: c.1204+1G>A (NM_001252127.2).
Identifiers: ClinVar variation 1699534 (VCV001699534.3), dbSNP rs2140862092, ClinGen allele CA392417916.